The following is an entry in ClinVar:

NM_130384.3(ATRIP):c.375A>C (p.Lys125Asn)

Genes: ATRIP (ATR interacting protein; plus strand), ATRIP-TREX1 (ATRIP-TREX1 readthrough; plus strand). Cytogenetic location: 3p21.31.
Variant type: single nucleotide variant.
Coding change: c.375A>C on transcript NM_130384.3 (MANE Select); coding-DNA position 375, A replaced by C.
Protein change: p.Lys125Asn; replaces lysine 125 with asparagine.
Molecular consequence: missense variant. On other transcripts: non-coding transcript variant (1), 5 prime UTR variant (1).
Genome position (GRCh38, 1-based): chr3:48,450,164, A>C. VCF-style: chr3-48450164-A-C. GRCh37 (hg19) VCF-style: chr3-48491570-A-C.
Other names: c.-90A>C (NM_001271022.2); c.96A>C, p.Lys32Asn (NM_001271023.2); c.375A>C, p.Lys125Asn (NM_032166.4); short protein forms K125N, K32N.
Identifiers: ClinVar variation 4842166 (VCV004842166.1).
Genomic context (GRCh38, chr3:48,450,164, plus strand): 5'-TGTTCCAATTAAAGATAATTTCGAATTAGAGGTACTTCAGGCACAATACAAAGAACTTAA[A>C]GAAAAGGTAAGTGACTTAACTTGTGGTTTTTGTAGCTAATTCATTCACTTACGTGTTTAA-3'
Protein context (NP_569055.1, residues 115-135): EVLQAQYKEL[Lys125Asn]EKMKVMEEEV

ClinVar aggregate classification (germline): Uncertain significance (1 of 4 stars; one submission).

Submission:

Ambry Genetics
Classification: Uncertain significance. Last evaluated: 2025-12-22. Review status: criteria provided, single submitter. Criteria: Ambry Variant Classification Scheme 2023. Collection method: clinical testing. Allele origin: germline.
Comment: The p.K125N variant (also known as c.375A>C), located in coding exon 2 of the ATRIP gene, results from an A to C substitution at nucleotide position 375. The lysine at codon 125 is replaced by asparagine, an amino acid with similar properties. This amino acid position is conserved. In addition, this alteration is predicted to be tolerated by in silico analysis. Based on the available evidence, the clinical significance of this variant remains unclear.